The following is an entry in ClinVar:

ClinVar aggregate classification (germline): Uncertain significance (1 of 4 stars; one submission).

Conditions:
Combined oxidative phosphorylation defect type 7. Identifiers: Orphanet 254930, MedGen C3150801, MONDO:0013306, OMIM 613559.
Spastic paraplegia. Identifiers: MedGen C0037772, HP:0001258.

Submission:

Labcorp Genetics (formerly Invitae), Labcorp
Classification: Uncertain significance for Combined oxidative phosphorylation defect type 7; Spastic paraplegia. Last evaluated: 2022-09-07. Review status: criteria provided, single submitter. Criteria: Invitae Variant Classification Sherloc (09022015). Collection method: clinical testing. Allele origin: germline.
Comment: This sequence change replaces valine, which is neutral and non-polar, with alanine, which is neutral and non-polar, at codon 65 of the C12orf65 protein (p.Val65Ala). This variant is not present in population databases (gnomAD no frequency). This variant has not been reported in the literature in individuals affected with C12orf65-related conditions. ClinVar contains an entry for this variant (Variation ID: 1681654). In summary, the available evidence is currently insufficient to determine the role of this variant in disease. Therefore, it has been classified as a Variant of Uncertain Significance. Algorithms developed to predict the effect of missense changes on protein structure and function (SIFT, PolyPhen-2, Align-GVGD) all suggest that this variant is likely to be disruptive.

NM_152269.5(MTRFR):c.194T>C (p.Val65Ala)

Gene: MTRFR (mitochondrial translation release factor in rescue; plus strand). Cytogenetic location: 12q24.31.
Variant type: single nucleotide variant.
Coding change: c.194T>C on transcript NM_152269.5 (MANE Select); coding-DNA position 194, T replaced by C.
Protein change: p.Val65Ala; replaces valine 65 with alanine.
Molecular consequence: missense variant.
Genome position (GRCh38, 1-based): chr12:123,253,868, T>C. VCF-style: chr12-123253868-T-C. GRCh37 (hg19) VCF-style: chr12-123738415-T-C.
Other names: c.194T>C, p.Val65Ala (NM_001143905.2, NM_001194995.1); short protein forms V65A.
Identifiers: ClinVar variation 1681654 (VCV001681654.6), dbSNP rs2138793021, ClinGen allele CA387118702.